The following is an entry in ClinVar:

ClinVar aggregate classification (germline): Conflicting classifications of pathogenicity. Review status: criteria provided, conflicting classifications (1 of 4 stars). 8 submissions from 7 submitters: Likely pathogenic (4); Uncertain significance (4). Last evaluated 2025-10-15.

Conditions:
Retinal dystrophy. Also called: Inherited retinal dystrophy. Identifiers: Orphanet 71862, MedGen C0854723, MeSH D058499, MONDO:0019118, HP:0000556.
Retinitis pigmentosa 37 (RP37). Identifiers: Orphanet 791, MedGen C1970163, MONDO:0012625, OMIM 611131.
Enhanced S-cone syndrome (ESCS). Identifiers: Orphanet 53540, MedGen C1849394, MONDO:0100288, MONDO:0009989.
NR2E3-related disorder. Also called: NR2E3-related condition; NR2E3-related disorders. Identifiers: MedGen CN239387.

gnomAD v4.1: 38 of 1,611,394 alleles (0.0024%); highest among the groups gnomAD compares: South Asian, 0.035%; 2 homozygotes.

Submissions (8):

Natera, Inc.
Classification: Likely pathogenic for Enhanced S cone syndrome. Last evaluated: 2025-10-15. Review status: criteria provided, single submitter. Criteria: Natera Variant Classification Schema (03/2026). Collection method: clinical testing. Allele origin: germline.
Comment: The c.767C>T variant in NR2E3 is a missense variant predicted to cause substitution of alanine to valine at amino acid 256. This variant is rare in the general population with a frequency below the threshold expected for the associated phenotype(s). This variant has been observed in one or more individuals affected with the associated recessive disease, as either homozygous or compound heterozygous with a second variant (PMID: 17601449, 25703721). A different variant at the same position has been determined to be Pathogenic or Likely Pathogenic. Computational prediction algorithms indicate this variant is likely to affect gene or protein function. Given the available evidence, this variant is classified as Likely Pathogenic.

PreventionGenetics, part of Exact Sciences
Classification: Uncertain significance for NR2E3-related condition. Last evaluated: 2025-07-31. Review status: criteria provided, single submitter. Criteria: ACMG Guidelines, 2015. Collection method: clinical testing. Allele origin: germline.
Comment: The NR2E3 c.767C>T variant is predicted to result in the amino acid substitution p.Ala256Val. This variant has been reported in the compound heterozygous state in two individuals with enhanced S-cone syndrome or retinal disease (Lam et al. 2007. PubMed ID: 17601449; Supplementary table, Zanolli et al. 2020. PubMed ID: 32141364). This variant has been shown to impact protein function (von Alpen et al. 2015. PubMed ID: 25703721).This variant is reported in 0.013% of alleles in individuals of South Asian descent in gnomAD. Although we suspect that this variant may be pathogenic, at this time, the clinical significance of this variant is uncertain due to the absence of conclusive functional and genetic evidence.

Revvity Omics, Revvity
Classification: Likely pathogenic. Last evaluated: 2025-04-10. Review status: criteria provided, single submitter. Criteria: ACMG Guidelines, 2015. Collection method: clinical testing. Allele origin: germline.

Labcorp Genetics (formerly Invitae), Labcorp
Classification: Likely pathogenic. Last evaluated: 2024-06-05. Review status: criteria provided, single submitter. Criteria: Invitae Variant Classification Sherloc (09022015). Collection method: clinical testing. Allele origin: germline.
Comment: This sequence change replaces alanine, which is neutral and non-polar, with valine, which is neutral and non-polar, at codon 256 of the NR2E3 protein (p.Ala256Val). This variant is present in population databases (rs377257254, gnomAD 0.01%). This missense change has been observed in individual(s) with clinical features of autosomal recessive enhanced S-cone syndrome (PMID: 17601449, 25703721). In at least one individual the data is consistent with being in trans (on the opposite chromosome) from a pathogenic variant. ClinVar contains an entry for this variant (Variation ID: 844032). Advanced modeling of protein sequence and biophysical properties (such as structural, functional, and spatial information, amino acid conservation, physicochemical variation, residue mobility, and thermodynamic stability) performed at Invitae indicates that this missense variant is not expected to disrupt NR2E3 protein function with a negative predictive value of 80%. Experimental studies have shown that this missense change does not substantially affect NR2E3 function (PMID: 25703721). This variant disrupts the p.Ala256 amino acid residue in NR2E3. Other variant(s) that disrupt this residue have been determined to be pathogenic (PMID: 12963616, 19898638, 25079116). This suggests that this residue is clinically significant, and that variants that disrupt this residue are likely to be disease-causing. In summary, the currently available evidence indicates that the variant is pathogenic, but additional data are needed to prove that conclusively. Therefore, this variant has been classified as Likely Pathogenic.

Baylor Genetics
Classification: Likely pathogenic for ENHANCED S-CONE SYNDROME 1. Last evaluated: 2024-03-30. Review status: criteria provided, single submitter. Criteria: ACMG Guidelines, 2015. Collection method: clinical testing. Allele origin: unknown.

Institute of Human Genetics, Univ. Regensburg, Univ. Regensburg
Classification: Uncertain significance for Retinal dystrophy. Last evaluated: 2022-01-01. Review status: criteria provided, single submitter. Criteria: ACMG Guidelines, 2015. Collection method: clinical testing. Allele origin: germline. Affected: yes.

Illumina Laboratory Services, Illumina
Classification: Uncertain significance for ENHANCED S-CONE SYNDROME 1. Last evaluated: 2017-04-27. Review status: criteria provided, single submitter. Criteria: ICSL Variant Classification Criteria 13 December 2019. Collection method: clinical testing. Allele origin: germline.
Comment: This variant was observed as part of a predisposition screen in an ostensibly healthy population. A literature search was performed for the gene, cDNA change, and amino acid change (where applicable). Publications were found based on this search. However, the evidence from the literature, in combination with allele frequency data from public databases where available, was not sufficient to rule this variant in or out of causing disease. Therefore, this variant is classified as a variant of unknown significance.

Illumina Laboratory Services, Illumina
Classification: Uncertain significance for Retinitis pigmentosa 37. Last evaluated: 2017-04-27. Review status: criteria provided, single submitter. Criteria: ICSL Variant Classification Criteria 13 December 2019. Collection method: clinical testing. Allele origin: germline.

Literature cited by the submitters: PubMed 17601449 (cited by 4 submitters); PubMed 25703721 (cited by 3 submitters); PubMed 12963616 (cited by Labcorp Genetics (formerly Invitae), Labcorp); PubMed 19898638 (cited by Labcorp Genetics (formerly Invitae), Labcorp); PubMed 25079116 (cited by Labcorp Genetics (formerly Invitae), Labcorp); PubMed 31964843 (cited by Institute of Human Genetics, Univ. Regensburg, Univ. Regensburg); PubMed 32141364 (cited by Institute of Human Genetics, Univ. Regensburg, Univ. Regensburg).

NM_014249.4(NR2E3):c.767C>T (p.Ala256Val)

Gene: NR2E3 (nuclear receptor subfamily 2 group E member 3; plus strand). Cytogenetic location: 15q23.
Variant type: single nucleotide variant.
Coding change: c.767C>T on transcript NM_014249.4 (MANE Select); coding-DNA position 767, C replaced by T.
Protein change: p.Ala256Val; replaces alanine 256 with valine.
Molecular consequence: missense variant.
Genome position (GRCh38, 1-based): chr15:71,813,408, C>T. VCF-style: chr15-71813408-C-T. GRCh37 (hg19) VCF-style: chr15-72105748-C-T.
Other names: c.767C>T, p.Ala256Val (NM_016346.4); short protein forms A256V.
Identifiers: ClinVar variation 844032 (VCV000844032.19), dbSNP rs377257254, ClinGen allele CA7640400.